The following is an entry in ClinVar:

ClinVar aggregate classification (germline): Uncertain significance (1 of 4 stars; one submission).

gnomAD v4.1: 1 of 1,612,354 alleles (0.000062%); highest among the groups gnomAD compares: Non-Finnish European, 0.000085%; no homozygotes.

Submission:

GeneDx
Classification: Uncertain significance. Last evaluated: 2023-11-02. Review status: criteria provided, single submitter. Criteria: GeneDx Variant Classification Process June 2021. Collection method: clinical testing. Allele origin: germline. Affected: yes.
Comment: Not observed at significant frequency in large population cohorts (gnomAD); In silico analysis supports that this missense variant does not alter protein structure/function; Has not been previously published as pathogenic or benign to our knowledge

NM_012082.4(ZFPM2):c.3416A>G (p.Lys1139Arg)

Genes: ZFPM2 (zinc finger protein, FOG family member 2; plus strand), ZFPM2-AS1 (ZFPM2 antisense RNA 1; minus strand). Cytogenetic location: 8q23.1.
Variant type: single nucleotide variant.
Coding change: c.3416A>G on transcript NM_012082.4 (MANE Select); coding-DNA position 3416, A replaced by G.
Protein change: p.Lys1139Arg; replaces lysine 1139 with arginine.
Molecular consequence: missense variant.
Genome position (GRCh38, 1-based): chr8:105,803,498, A>G. VCF-style: chr8-105803498-A-G. GRCh37 (hg19) VCF-style: chr8-106815726-A-G.
Other names: c.3257A>G, p.Lys1086Arg (NM_001362836.2); c.3020A>G, p.Lys1007Arg (NM_001362837.2); short protein forms K1007R, K1086R, K1139R.
Identifiers: ClinVar variation 3363252 (VCV003363252.1).